The following is an entry in ClinVar:

ClinVar aggregate classification (germline): Uncertain significance. Review status: criteria provided, multiple submitters, no conflicts (2 of 4 stars). 2 submissions from 2 submitters: Uncertain significance (2). Last evaluated 2023-02-21.

Conditions:
Inborn genetic diseases. Identifiers: MedGen C0950123, MeSH D030342.

Allele frequency attached by ClinVar (database versions not stated): gnomAD exomes below 0.00001; TOPMed below 0.00001; ExAC 0.00001; gnomAD 0.00001; ESP Exome Variant Server 0.00008.
gnomAD v4.1: 2 of 1,614,058 alleles (0.00012%); highest among the groups gnomAD compares: Non-Finnish European, 0.00017%; no homozygotes.

Submissions (2):

Labcorp Genetics (formerly Invitae), Labcorp
Classification: Uncertain significance. Last evaluated: 2023-02-21. Review status: criteria provided, single submitter. Criteria: Invitae Variant Classification Sherloc (09022015). Collection method: clinical testing. Allele origin: germline.
Comment: This variant is present in population databases (rs374637529, gnomAD 0.0009%). This sequence change replaces valine, which is neutral and non-polar, with methionine, which is neutral and non-polar, at codon 770 of the KIDINS220 protein (p.Val770Met). This variant has not been reported in the literature in individuals affected with KIDINS220-related conditions. In summary, the available evidence is currently insufficient to determine the role of this variant in disease. Therefore, it has been classified as a Variant of Uncertain Significance. An algorithm developed to predict the effect of missense changes on protein structure and function (PolyPhen-2) suggests that this variant is likely to be disruptive.

Ambry Genetics
Classification: Uncertain significance for Inborn genetic diseases. Last evaluated: 2021-12-07. Review status: criteria provided, single submitter. Criteria: Ambry Variant Classification Scheme 2023. Collection method: clinical testing. Allele origin: germline.

NM_020738.4(KIDINS220):c.2308G>A (p.Val770Met)

Gene: KIDINS220 (kinase D interacting substrate 220; minus strand). Cytogenetic location: 2p25.1.
Variant type: single nucleotide variant.
Coding change: c.2308G>A on transcript NM_020738.4 (MANE Select); coding-DNA position 2308, G replaced by A.
Protein change: p.Val770Met; replaces valine 770 with methionine.
Molecular consequence: missense variant. On other transcripts: non-coding transcript variant (2).
Genome position (GRCh38, 1-based): chr2:8,779,736, C>T on the plus strand (G>A on the coding strand, the complement: KIDINS220 is on the minus strand). VCF-style: chr2-8779736-C-T. GRCh37 (hg19) VCF-style: chr2-8919866-C-T.
Other names: c.2311G>A, p.Val771Met (NM_001348734.2, NM_001348739.2, NM_001348740.2 and 3 more transcripts); c.2308G>A, p.Val770Met (NM_001348735.2, NM_001348738.2, NM_001348741.2 and 3 more transcripts); c.2182G>A, p.Val728Met (NM_001348736.2); short protein forms V771M, V728M, V770M.
Identifiers: ClinVar variation 2266285 (VCV002266285.5), dbSNP rs374637529, ClinGen allele CA1520009.